The following is an entry in ClinVar:

ClinVar aggregate classification (germline): Pathogenic (1 of 4 stars; one submission).

Conditions:
Very long chain acyl-CoA dehydrogenase deficiency (ACADVLD). Also called: Very Long-Chain Acyl-Coenzyme A Dehydrogenase Deficiency; VLCAD Deficiency. Identifiers: Orphanet 26793, MedGen C3887523, MONDO:0008723, OMIM 201475.

Submission:

Labcorp Genetics (formerly Invitae), Labcorp
Classification: Pathogenic for Very long chain acyl-CoA dehydrogenase deficiency. Last evaluated: 2024-02-11. Review status: criteria provided, single submitter. Criteria: Invitae Variant Classification Sherloc (09022015). Collection method: clinical testing. Allele origin: germline.
Comment: This sequence change creates a premature translational stop signal (p.Ala4Leufs*12) in the ACADVL gene. It is expected to result in an absent or disrupted protein product. Loss-of-function variants in ACADVL are known to be pathogenic (PMID: 9973285, 11590124). This variant is not present in population databases (gnomAD no frequency). This variant has not been reported in the literature in individuals affected with ACADVL-related conditions. For these reasons, this variant has been classified as Pathogenic.

Literature cited by the submitters: PubMed 9973285; PubMed 11590124.

NM_000018.4(ACADVL):c.10del (p.Ala4fs)

Genes: ACADVL (acyl-CoA dehydrogenase very long chain; plus strand), DLG4 (discs large MAGUK scaffold protein 4; minus strand). Cytogenetic location: 17p13.1.
Variant type: Deletion.
Coding change: c.10del on transcript NM_000018.4 (MANE Select); coding-DNA position 10, one base deleted (G; older notation c.10delG).
Protein change: p.Ala4fs; shifts the reading frame from alanine 4.
Molecular consequence: frameshift variant. On other transcripts: 5 prime UTR variant (2), non-coding transcript variant (1), intron variant (1).
Genome position (GRCh38, 1-based): chr17:7,219,994, G deleted; the last of 2 consecutive G bases (chr17:7,219,993-7,219,994); deleting either gives the same sequence. VCF-style (leftmost placement, unchanged base first): chr17-7219992-CG-C. GRCh37 (hg19) VCF-style: chr17-7123311-CG-C.
Other names: c.-1144del (NM_001321074.1); c.10del, p.Ala4fs (NM_001033859.3); c.-294del (NM_001270448.2); c.132-128del (NM_001270447.2); short protein forms A4fs.
Identifiers: ClinVar variation 3640189 (VCV003640189.2).
Genomic context (GRCh38, chr17:7,219,992, plus strand): 5'-GACGCCAGAGCTGGGTCAGAGCTCGAGCCAGCGGCGCCCGGAGAGATTCGGAGATGCAGG[CG>C]GCTCGGATGGCCGCGAGCTTGGGGCGGCAGCTGCTGAGGCTCGGGGGCGGAAGGTCTGTG-3'